The following is an entry in ClinVar:

ClinVar aggregate classification (germline): Conflicting classifications of pathogenicity. Review status: criteria provided, conflicting classifications (1 of 4 stars). 5 submissions from 5 submitters: Uncertain significance (1); Likely benign (4). Last evaluated 2026-09-01.

Conditions:
Dilated cardiomyopathy 1G (CMD1G). Identifiers: Orphanet 154, MedGen C1858763, MONDO:0011400, OMIM 604145.
Autosomal recessive limb-girdle muscular dystrophy type 2J (LGMDR10). Also called: Limb-girdle muscular dystrophy, type 2J; MUSCULAR DYSTROPHY, LIMB-GIRDLE, AUTOSOMAL RECESSIVE 10. Identifiers: Orphanet 140922, MedGen C1837342, MONDO:0012127, OMIM 608807.

Allele frequency attached by ClinVar (database versions not stated): TOPMed 0.00004.
gnomAD v4.1: 47 of 1,613,720 alleles (0.0029%); highest among the groups gnomAD compares: East Asian, 0.011%; no homozygotes.

Submissions (5):

CeGaT Center for Human Genetics Tuebingen
Classification: Likely benign. Last evaluated: 2026-09-01. Review status: criteria provided, single submitter. Criteria: CeGaT Center For Human Genetics Tuebingen Variant Classification Criteria Version 2. Collection method: clinical testing. Allele origin: germline. Affected: yes. Observed: 2 variant alleles.
Comment: TTN: BP4, BP7

Women's Health and Genetics/Laboratory Corporation of America, LabCorp
Classification: Likely benign. Last evaluated: 2026-06-11. Review status: criteria provided, single submitter. Criteria: LabCorp Variant Classification Summary - May 2015. Collection method: clinical testing. Allele origin: germline.

Labcorp Genetics (formerly Invitae), Labcorp
Classification: Likely benign for Dilated cardiomyopathy 1G; Autosomal recessive limb-girdle muscular dystrophy type 2J. Last evaluated: 2025-11-10. Review status: criteria provided, single submitter. Criteria: Invitae Variant Classification Sherloc (09022015). Collection method: clinical testing. Allele origin: germline.

GeneDx
Classification: Likely benign. Last evaluated: 2020-05-07. Review status: criteria provided, single submitter. Criteria: GeneDx Variant Classification Process June 2021. Collection method: clinical testing. Allele origin: germline. Affected: yes.

Revvity Omics, Revvity
Classification: Uncertain significance. Last evaluated: 2019-09-26. Review status: criteria provided, single submitter. Criteria: ACMG Guidelines, 2015. Collection method: clinical testing. Allele origin: germline.

NM_001267550.2(TTN):c.25476T>C (p.Asp8492=)

Gene: TTN (titin; minus strand). Cytogenetic location: 2q31.2.
Variant type: single nucleotide variant.
Coding change: c.25476T>C on transcript NM_001267550.2 (MANE Select); coding-DNA position 25476, T replaced by C.
Protein change: p.Asp8492=; no amino-acid change (aspartic acid 8492 retained).
Molecular consequence: synonymous variant. On other transcripts: intron variant (3).
Genome position (GRCh38, 1-based): chr2:178,717,258, A>G on the plus strand (T>C on the coding strand, the complement: TTN is on the minus strand). VCF-style: chr2-178717258-A-G. GRCh37 (hg19) VCF-style: chr2-179581985-A-G.
Other names: c.24525T>C, p.Asp8175= (NM_001256850.1); c.21744T>C, p.Asp7248= (NM_133378.4); c.13282+20824T>C (NM_003319.4); c.13858+20824T>C (NM_133437.4); c.13657+20824T>C (NM_133432.3).
Identifiers: ClinVar variation 696855 (VCV000696855.40), dbSNP rs777349143, ClinGen allele CA2000211.